The following is an entry in ClinVar:

ClinVar aggregate classification (germline): Uncertain significance (1 of 4 stars; one submission).

Conditions:
Dilated cardiomyopathy 1G (CMD1G). Identifiers: Orphanet 154, MedGen C1858763, MONDO:0011400, OMIM 604145.
Autosomal recessive limb-girdle muscular dystrophy type 2J (LGMDR10). Also called: Limb-girdle muscular dystrophy, type 2J; MUSCULAR DYSTROPHY, LIMB-GIRDLE, AUTOSOMAL RECESSIVE 10. Identifiers: Orphanet 140922, MedGen C1837342, MONDO:0012127, OMIM 608807.

Allele frequency attached by ClinVar (database versions not stated): ExAC 0.00001; gnomAD 0.00001; gnomAD exomes 0.00001; 1000 Genomes Project 30x 0.00016; 1000 Genomes Project 0.00020.
gnomAD v4.1: 11 of 1,613,746 alleles (0.00068%); highest among the groups gnomAD compares: South Asian, 0.0088%; no homozygotes.

Submission:

Labcorp Genetics (formerly Invitae), Labcorp
Classification: Uncertain significance for Dilated cardiomyopathy 1G; Autosomal recessive limb-girdle muscular dystrophy type 2J. Last evaluated: 2025-10-07. Review status: criteria provided, single submitter. Criteria: Invitae Variant Classification Sherloc (09022015). Collection method: clinical testing. Allele origin: germline.
Comment: This sequence change replaces histidine, which is basic and polar, with tyrosine, which is neutral and polar, at codon 33834 of the TTN protein (p.His33834Tyr). This variant is present in population databases (rs534907370, gnomAD 0.006%). This variant has not been reported in the literature in individuals affected with TTN-related conditions. ClinVar contains an entry for this variant (Variation ID: 1981527). Experimental studies and prediction algorithms are not available or were not evaluated, and the functional significance of this variant is currently unknown. This variant is located in the M band of TTN (PMID: 25589632). Non-truncating variants in this region may be relevant for neuromuscular disorders, but have not been definitively shown to cause cardiomyopathy (PMID: 23975875). In summary, the available evidence is currently insufficient to determine the role of this variant in disease. Therefore, it has been classified as a Variant of Uncertain Significance.

Literature cited by the submitters: PubMed 25589632; PubMed 23975875.

NM_001267550.2(TTN):c.101500C>T (p.His33834Tyr)

Genes: TTN-AS1 (TTN antisense RNA 1; plus strand), TTN (titin; minus strand). Cytogenetic location: 2q31.2.
Variant type: single nucleotide variant.
Coding change: c.101500C>T on transcript NM_001267550.2 (MANE Select); coding-DNA position 101500, C replaced by T.
Protein change: p.His33834Tyr; replaces histidine 33834 with tyrosine.
Molecular consequence: missense variant.
Genome position (GRCh38, 1-based): chr2:178,535,115, G>A on the plus strand (C>T on the coding strand, the complement: TTN is on the minus strand). VCF-style: chr2-178535115-G-A. GRCh37 (hg19) VCF-style: chr2-179399842-G-A.
Other names: c.96577C>T, p.His32193Tyr (NM_001256850.1); c.74305C>T, p.His24769Tyr (NM_003319.4); c.93796C>T, p.His31266Tyr (NM_133378.4); c.74680C>T, p.His24894Tyr (NM_133432.3); c.74881C>T, p.His24961Tyr (NM_133437.4); short protein forms H24769Y, H33834Y, H31266Y, H24894Y, H24961Y, H32193Y.
Identifiers: ClinVar variation 1981527 (VCV001981527.4), dbSNP rs534907370, ClinGen allele CA1985877.